The following is an entry in ClinVar:

NM_152383.5(DIS3L2):c.1483G>A (p.Glu495Lys)

Gene: DIS3L2 (DIS3 like 3'-5' exoribonuclease 2; plus strand). Cytogenetic location: 2q37.1.
Variant type: single nucleotide variant.
Coding change: c.1483G>A on transcript NM_152383.5 (MANE Select); coding-DNA position 1483, G replaced by A.
Protein change: p.Glu495Lys; replaces glutamic acid 495 with lysine.
Molecular consequence: missense variant. On other transcripts: non-coding transcript variant (2).
Genome position (GRCh38, 1-based): chr2:232,263,264, G>A. VCF-style: chr2-232263264-G-A. GRCh37 (hg19) VCF-style: chr2-233127974-G-A.
Other names: c.1483G>A, p.Glu495Lys (NM_001257281.2); short protein forms E495K.
Identifiers: ClinVar variation 531924 (VCV000531924.10), dbSNP rs376140965, ClinGen allele CA2164169.
Genomic context (GRCh38, chr2:232,263,264, plus strand): 5'-CAGATCCTTGATGAATGGTTTGGCCGGACCATCATCCGCTCCTGCACCAAACTTAGCTAC[G>A]AGCATGCACAGAGCATGATTGAAAGCCCAACTGAGAAAATCCCTGCGAAAGAGCTGCCCC-3'
Protein context (NP_689596.4, residues 485-505): IIRSCTKLSY[Glu495Lys]HAQSMIESPT

ClinVar aggregate classification (germline): Uncertain significance. Review status: criteria provided, multiple submitters, no conflicts (2 of 4 stars). 3 submissions from 3 submitters: Uncertain significance (3). Last evaluated 2024-04-29.

Conditions:
Inborn genetic diseases. Identifiers: MedGen C0950123, MeSH D030342.
Perlman syndrome (PRLMNS). Identifiers: Orphanet 2849, MedGen C0796113, MONDO:0009965, OMIM 267000.

Allele frequency attached by ClinVar (database versions not stated): gnomAD exomes 0.00001 and 0.00003; gnomAD 0.00002; ExAC 0.00003; TOPMed 0.00006; ESP Exome Variant Server 0.00008.
gnomAD v4.1: 20 of 1,614,042 alleles (0.0012%); highest among the groups gnomAD compares: Middle Eastern, 0.016%; no homozygotes.

Submissions (3):

Labcorp Genetics (formerly Invitae), Labcorp
Classification: Uncertain significance for Perlman syndrome. Last evaluated: 2024-04-29. Review status: criteria provided, single submitter. Criteria: Invitae Variant Classification Sherloc (09022015). Collection method: clinical testing. Allele origin: germline.
Comment: This sequence change replaces glutamic acid, which is acidic and polar, with lysine, which is basic and polar, at codon 495 of the DIS3L2 protein (p.Glu495Lys). This variant is present in population databases (rs376140965, gnomAD 0.02%). This variant has not been reported in the literature in individuals affected with DIS3L2-related conditions. ClinVar contains an entry for this variant (Variation ID: 531924). Advanced modeling of protein sequence and biophysical properties (such as structural, functional, and spatial information, amino acid conservation, physicochemical variation, residue mobility, and thermodynamic stability) performed at Invitae indicates that this missense variant is not expected to disrupt DIS3L2 protein function with a negative predictive value of 80%. In summary, the available evidence is currently insufficient to determine the role of this variant in disease. Therefore, it has been classified as a Variant of Uncertain Significance.

Ambry Genetics
Classification: Uncertain significance for Inborn genetic diseases. Last evaluated: 2023-12-07. Review status: criteria provided, single submitter. Criteria: Ambry Variant Classification Scheme 2023. Collection method: clinical testing. Allele origin: germline.

GeneDx
Classification: Uncertain significance. Last evaluated: 2021-03-22. Review status: criteria provided, single submitter. Criteria: GeneDx Variant Classification Process June 2021. Collection method: clinical testing. Allele origin: germline. Affected: yes.
Comment: In silico analysis supports that this missense variant has a deleterious effect on protein structure/function; Has not been previously published as pathogenic or benign to our knowledge